The following is an entry in ClinVar:

NM_001035.3(RYR2):c.892C>T (p.Arg298Cys)

Gene: RYR2 (ryanodine receptor 2; plus strand). Cytogenetic location: 1q43.
Variant type: single nucleotide variant.
Coding change: c.892C>T on transcript NM_001035.3 (MANE Select); coding-DNA position 892, C replaced by T.
Protein change: p.Arg298Cys; replaces arginine 298 with cysteine.
Molecular consequence: missense variant.
Genome position (GRCh38, 1-based): chr1:237,423,135, C>T. VCF-style: chr1-237423135-C-T. GRCh37 (hg19) VCF-style: chr1-237586435-C-T.
Other names: p.Arg298Cys; c.892C>T, p.Arg298Cys (LRG_402t1); short protein forms R298C.
Identifiers: ClinVar variation 463649 (VCV000463649.37), dbSNP rs551099887, ClinGen allele CA087787.

ClinVar aggregate classification (germline): Conflicting classifications of pathogenicity. Review status: criteria provided, conflicting classifications (1 of 4 stars). 12 submissions from 12 submitters: Uncertain significance (4); Likely benign (6). 2 of the submissions do not count toward it. Last evaluated 2026-09-16.

Conditions:
RYR2-related disorder. Also called: RYR2-related condition.
Cardiovascular phenotype. Identifiers: MedGen CN230736.
Catecholaminergic polymorphic ventricular tachycardia (CVPT). Also called: Catecholamine-induced polymorphic ventricular tachycardia. Identifiers: Orphanet 3286, MedGen C5574922, MONDO:0017990.
Catecholaminergic polymorphic ventricular tachycardia 1. Also called: VENTRICULAR TACHYCARDIA, CATECHOLAMINERGIC POLYMORPHIC, 1, WITH OR WITHOUT ATRIAL DYSFUNCTION AND/OR DILATED CARDIOMYOPATHY; RYR2-Related Catecholaminergic Polymorphic Ventricular Tachycardia; VENTRICULAR TACHYCARDIA, STRESS-INDUCED POLYMORPHIC 1. Identifiers: Orphanet 3286, MedGen C1631597, MONDO:0011484, OMIM 604772.
Cardiomyopathy (CMYO). Also called: Cardiomyopathies. Identifiers: Orphanet 167848, MedGen C0878544, MONDO:0004994, HP:0001638. Inheritance: Various modes of inheritance.

Allele frequency attached by ClinVar (database versions not stated): gnomAD exomes 0.00004 and 0.00008; ExAC 0.00011; 1000 Genomes Project 30x 0.00016; 1000 Genomes Project 0.00020; gnomAD 0.00022 and 0.00024; TOPMed 0.00031.
gnomAD v4.1: 92 of 1,613,852 alleles (0.0057%); highest among the groups gnomAD compares: African/African-American, 0.075%; 1 homozygote.

Submissions (12):

PreventionGenetics, part of Exact Sciences
Classification: Likely benign for RYR2-related condition. Last evaluated: 2026-09-16. Review status: criteria provided, single submitter. Criteria: ACMG Guidelines, 2015. Collection method: clinical testing. Allele origin: germline.
Comment: This variant is classified as likely benign based on ACMG/AMP sequence variant interpretation guidelines (Richards et al. 2015 PMID: 25741868, with internal and published modifications).

GeneDx
Classification: Uncertain significance. Last evaluated: 2026-09-04. Review status: criteria provided, single submitter. Criteria: GeneDx Variant Classification Process June 2021. Collection method: clinical testing. Allele origin: germline.
Comment: In silico analysis supports that this missense variant has a deleterious effect on protein structure/function; Located in one of the three hot-spot regions of the RYR2 gene, where the majority of pathogenic missense variants occur (PMID: 19926015); Identified in patients with cardiomyopathy in published literature who harbored additional cardiogenetic variants (PMID: 32746448, 30847666); This variant is associated with the following publications: (PMID: 30847666, 35932045, 32746448, 19926015)

Ambry Genetics
Classification: Uncertain significance for Cardiovascular phenotype. Last evaluated: 2026-01-26. Review status: criteria provided, single submitter. Criteria: Ambry Variant Classification Scheme 2023. Collection method: clinical testing. Allele origin: germline.
Comment: The c.892C>T (p.R298C) alteration is located in exon 12 (coding exon 12) of the RYR2 gene. This alteration results from a C to T substitution at nucleotide position 892, causing the arginine (R) at amino acid position 298 to be replaced by a cysteine (C). Based on data from gnomAD, the T allele has an overall frequency of 0.012% (33/280356) total alleles studied. The highest observed frequency was 0.087% (21/24188) of African alleles. Based on insufficient or conflicting evidence, the clinical significance of this alteration remains unclear.

Labcorp Genetics (formerly Invitae), Labcorp
Classification: Likely benign for Catecholaminergic polymorphic ventricular tachycardia 1. Last evaluated: 2026-01-10. Review status: criteria provided, single submitter. Criteria: Invitae Variant Classification Sherloc (09022015). Collection method: clinical testing. Allele origin: germline.

Women's Health and Genetics/Laboratory Corporation of America, LabCorp
Classification: Likely benign. Last evaluated: 2025-10-03. Review status: criteria provided, single submitter. Criteria: LabCorp Variant Classification Summary - May 2015. Collection method: clinical testing. Allele origin: germline.
Comment: Variant summary: RYR2 c.892C>T (p.Arg298Cys) results in a non-conservative amino acid change located in the MIR motif domain (IPR016093) of the encoded protein sequence. Algorithms developed to predict the effect of missense changes on protein structure and function all suggest that this variant is likely to be disruptive. The variant allele was found at a frequency of 8.4e-05 in 248950 control chromosomes in the gnomAD database, including one homozygote. The observed variant frequency exceeds the estimated maximal expected allele frequency for disease-causing variants in RYR2. c.892C>T has been reported in the literature as a VUS in settings of multigne panel testing in an individual affected with Brugada syndrome and an individual with hypertrophic cardiomyopathy, both of whom also harbored variants of uncertain significance in other cardiac-related genes (van Lint_2019, Burstein_2021. These reports do not provide unequivocal conclusions about association of the variant with Cardiomyopathy. To our knowledge, no experimental evidence demonstrating an impact on protein function has been reported. The following publications have been ascertained in the context of this evaluation (PMID: 32746448, 30847666). ClinVar contains an entry for this variant (Variation ID: 463649). Based on the evidence outlined above, the variant was classified as likely benign.

All of Us Research Program, National Institutes of Health
Classification: Likely benign for Catecholaminergic polymorphic ventricular tachycardia. Last evaluated: 2024-09-26. Review status: criteria provided, single submitter. Criteria: ACMG Guidelines, 2015. Collection method: clinical testing. Allele origin: germline. Inheritance: Autosomal dominant inheritance. Observed: 20 variant alleles, 20 heterozygotes.
Comment: This study involves interpretation of variants in research participants for the purpose of population health screening. Participant phenotype was not available at the time of variant classification. Additional details can be found in publication PMID: 35346344, PMCID: PMC8962531

Color Diagnostics, LLC DBA Color Health
Classification: Likely benign for Cardiomyopathy. Last evaluated: 2024-05-03. Review status: criteria provided, single submitter. Criteria: ACMG Guidelines, 2015. Collection method: clinical testing. Allele origin: germline.

Mayo Clinic Laboratories, Mayo Clinic
Classification: Uncertain significance. Last evaluated: 2023-08-22. Review status: criteria provided, single submitter. Criteria: ACMG Guidelines, 2015. Collection method: clinical testing. Allele origin: germline. Observed: 1 variant allele.
Comment: BS1, PP2

CHEO Genetics Diagnostic Laboratory, Children's Hospital of Eastern Ontario
Classification: Likely benign for Cardiomyopathy. Last evaluated: 2017-10-30. Review status: criteria provided, single submitter. Criteria: ACMG Guidelines, 2015. Collection method: clinical testing. Allele origin: germline. Study: Canadian Open Genetics Repository.

Eurofins Ntd Llc (ga)
Classification: Uncertain significance. Last evaluated: 2016-12-20. Review status: criteria provided, single submitter. Criteria: EGL Classification Definitions 2015. Collection method: clinical testing. Allele origin: germline. Observed: 1 variant allele, 1 heterozygote.

Clinical Genetics, Academic Medical Center
Classification: Uncertain significance. Review status: no assertion criteria provided. Collection method: clinical testing. Allele origin: germline. Affected: yes. Study: VKGL Data-share Consensus. Not counted in ClinVar's aggregate classification.

Diagnostic Laboratory, Department of Genetics, University Medical Center Groningen
Classification: Uncertain significance. Review status: no assertion criteria provided. Collection method: clinical testing. Allele origin: germline. Affected: yes. Study: VKGL Data-share Consensus. Not counted in ClinVar's aggregate classification.

Literature cited by the submitters: PubMed 30847666 (cited by Women's Health and Genetics/Laboratory Corporation of America, LabCorp and Mayo Clinic Laboratories, Mayo Clinic); PubMed 32746448 (cited by Women's Health and Genetics/Laboratory Corporation of America, LabCorp and Mayo Clinic Laboratories, Mayo Clinic); PubMed 21454795 (cited by Mayo Clinic Laboratories, Mayo Clinic); PubMed 35932045 (cited by Mayo Clinic Laboratories, Mayo Clinic).